The following is an entry in ClinVar:

NM_032603.5(LOXL3):c.677A>G (p.Asn226Ser)

Genes: LOXL3 (lysyl oxidase like 3; minus strand), DOK1 (docking protein 1; plus strand). Cytogenetic location: 2p13.1.
Variant type: single nucleotide variant.
Coding change: c.677A>G on transcript NM_032603.5 (MANE Select); coding-DNA position 677, A replaced by G.
Protein change: p.Asn226Ser; replaces asparagine 226 with serine.
Molecular consequence: missense variant. On other transcripts: 5 prime UTR variant (1), intron variant (2).
Genome position (GRCh38, 1-based): chr2:74,549,384, T>C on the plus strand (A>G on the coding strand, the complement: LOXL3 is on the minus strand). VCF-style: chr2-74549384-T-C. GRCh37 (hg19) VCF-style: chr2-74776511-T-C.
Other names: c.-187A>G (NM_001289165.2); c.477+801A>G (NM_001289164.3); c.-358+212T>C (NM_001197260.2); short protein forms N226S.
Identifiers: ClinVar variation 1520301 (VCV001520301.6), dbSNP rs143485735, ClinGen allele CA1729127.
Genomic context (GRCh38, chr2:74,549,384, plus strand): 5'-CACCCCAATCCCGGCCTGCTCCGCCCGGCGCCCGCGGCCCCTCACCTGTAGAAGGCCGCG[T>C]TGACCCTCTTTTCGCTGGGGAAGCCCAGCATCCCGCAGACCACGTGGCTGTTGTGGGCGC-3'
Protein context (NP_115992.1, residues 216-236): MLGFPSEKRV[Asn226Ser]AAFYRLLAQR

ClinVar aggregate classification (germline): Uncertain significance. Review status: criteria provided, multiple submitters, no conflicts (2 of 4 stars). 2 submissions from 2 submitters: Uncertain significance (2). Last evaluated 2025-09-04.

Allele frequency attached by ClinVar (database versions not stated): ESP Exome Variant Server 0.00008; gnomAD exomes 0.00001; TOPMed 0.00005; 1000 Genomes Project 0.00020; gnomAD 0.00003 and 0.00002; ExAC 0.00005; 1000 Genomes Project 30x 0.00016.
gnomAD v4.1: 11 of 1,608,000 alleles (0.00068%); highest among the groups gnomAD compares: African/African-American, 0.011%; no homozygotes.

Submissions (2):

Ambry Genetics
Classification: Uncertain significance. Last evaluated: 2025-09-04. Review status: criteria provided, single submitter. Criteria: Ambry Variant Classification Scheme 2023. Collection method: clinical testing. Allele origin: germline.

Labcorp Genetics (formerly Invitae), Labcorp
Classification: Uncertain significance. Last evaluated: 2022-08-15. Review status: criteria provided, single submitter. Criteria: Invitae Variant Classification Sherloc (09022015). Collection method: clinical testing. Allele origin: germline.
Comment: In summary, the available evidence is currently insufficient to determine the role of this variant in disease. Therefore, it has been classified as a Variant of Uncertain Significance. Algorithms developed to predict the effect of missense changes on protein structure and function (SIFT, PolyPhen-2, Align-GVGD) all suggest that this variant is likely to be disruptive. ClinVar contains an entry for this variant (Variation ID: 1520301). This variant has not been reported in the literature in individuals affected with LOXL3-related conditions. The frequency data for this variant in the population databases is considered unreliable, as metrics indicate poor data quality at this position in the gnomAD database. This sequence change replaces asparagine, which is neutral and polar, with serine, which is neutral and polar, at codon 226 of the LOXL3 protein (p.Asn226Ser).